The following is an entry in ClinVar:

ClinVar aggregate classification (germline): Benign/Likely benign. Review status: criteria provided, multiple submitters, no conflicts (2 of 4 stars). 2 submissions from 2 submitters: Benign (1); Likely benign (1). Last evaluated 2024-08-17.

Conditions:
Idiopathic generalized epilepsy. Also called: Generalised epilepsy; EIG. Identifiers: MedGen C0270850, MONDO:0005579, OMIM 600669.
Epilepsy, idiopathic generalized, susceptibility to, 13. Also called: EPILEPSY, JUVENILE MYOCLONIC, SUSCEPTIBILITY TO, 5. Identifiers: Orphanet 307, Orphanet 64280, MedGen C4013473, MONDO:0012627, OMIM 611136.
Epilepsy, childhood absence 4 (ECA4). Also called: EPILEPSY, CHILDHOOD ABSENCE, SUSCEPTIBILITY TO, 4. Identifiers: Orphanet 307, MedGen C1970160.

Allele frequency attached by ClinVar (database versions not stated): TOPMed 0.00001.
gnomAD v4.1: 4 of 1,613,976 alleles (0.00025%); highest among the groups gnomAD compares: Admixed American, 0.0017%; no homozygotes.

Submissions (2):

Labcorp Genetics (formerly Invitae), Labcorp
Classification: Benign for Epilepsy, childhood absence 4; Epilepsy, idiopathic generalized, susceptibility to, 13; Idiopathic generalized epilepsy. Last evaluated: 2024-08-17. Review status: criteria provided, single submitter. Criteria: Invitae Variant Classification Sherloc (09022015). Collection method: clinical testing. Allele origin: germline.

GeneDx
Classification: Likely benign. Last evaluated: 2013-10-02. Review status: criteria provided, single submitter. Criteria: GeneDx Variant Classification (06012015). Collection method: clinical testing. Allele origin: germline. Affected: yes.
Comment: This variant is considered likely benign or benign based on one or more of the following criteria: it is a conservative change, it occurs at a poorly conserved position in the protein, it is predicted to be benign by multiple in silico algorithms, and/or has population frequency not consistent with disease.

NM_001127644.2(GABRA1):c.11G>A (p.Ser4Asn)

Gene: GABRA1 (gamma-aminobutyric acid type A receptor subunit alpha1; plus strand). Cytogenetic location: 5q34.
Variant type: single nucleotide variant.
Coding change: c.11G>A on transcript NM_001127644.2 (MANE Select); coding-DNA position 11, G replaced by A.
Protein change: p.Ser4Asn; replaces serine 4 with asparagine.
Molecular consequence: missense variant.
Genome position (GRCh38, 1-based): chr5:161,850,821, G>A. VCF-style: chr5-161850821-G-A. GRCh37 (hg19) VCF-style: chr5-161277827-G-A.
Other names: p.S4N:AGT>AAT; c.11G>A, p.Ser4Asn (NM_000806.5, NM_001127643.2, NM_001127645.2 and 1 more transcripts); short protein forms S4N.
Identifiers: ClinVar variation 205514 (VCV000205514.10), dbSNP rs796052487, ClinGen allele CA314659.